The following is an entry in ClinVar:

ClinVar aggregate classification (germline): Pathogenic (1 of 4 stars; one submission).

Allele frequency attached by ClinVar (database versions not stated): gnomAD exomes below 0.00001.

Submission:

Labcorp Genetics (formerly Invitae), Labcorp
Classification: Pathogenic. Last evaluated: 2021-05-14. Review status: criteria provided, single submitter. Criteria: Invitae Variant Classification Sherloc (09022015). Collection method: clinical testing. Allele origin: germline.
Comment: For these reasons, this variant has been classified as Pathogenic. This variant has not been reported in the literature in individuals with TRPM1-related conditions. This variant is not present in population databases (ExAC no frequency). This sequence change creates a premature translational stop signal (p.Ile1117Thrfs*27) in the TRPM1 gene. It is expected to result in an absent or disrupted protein product. Loss-of-function variants in TRPM1 are known to be pathogenic (PMID: 19896113, 19966281, 20300565).

Literature cited by the submitters: PubMed 19896113; PubMed 19966281; PubMed 20300565.

NM_001252024.2(TRPM1):c.3416del (p.Ile1139fs)

Genes: TRPM1 (transient receptor potential cation channel subfamily M member 1; minus strand), TRPM1-AS1 (TRPM1 antisense RNA 1; plus strand), LOC126862088 (BRD4-independent group 4 enhancer GRCh37_chr15:31318084-31319283; plus strand). Cytogenetic location: 15q13.3.
Variant type: Deletion.
Coding change: c.3416del on transcript NM_001252024.2 (MANE Select); coding-DNA position 3416, one base deleted (T; older notation c.3416delT).
Protein change: p.Ile1139fs; shifts the reading frame from isoleucine 1139.
Molecular consequence: frameshift variant.
Genome position (GRCh38, 1-based): chr15:31,026,995, A deleted on the plus strand (T on the coding strand, the reverse complement: TRPM1 is on the minus strand). VCF-style (leftmost placement, unchanged base first): chr15-31026994-GA-G. GRCh37 (hg19) VCF-style: chr15-31319197-GA-G.
Other names: c.3467del, p.Ile1156fs (NM_001252020.2); c.3350del, p.Ile1117fs (NM_002420.6); short protein forms I1117fs, I1156fs, I1139fs.
Identifiers: ClinVar variation 1452304 (VCV001452304.6), dbSNP rs2140900870, ClinGen allele CA2573150592.